The following is an entry in ClinVar:

NM_022114.4(PRDM16):c.884+39_884+69del

Gene: PRDM16 (PR/SET domain 16; plus strand). Cytogenetic location: 1p36.32.
Variant type: Deletion.
Coding change: c.884+39_884+69del on transcript NM_022114.4 (MANE Select); bases 39 to 69 of the intron after coding-DNA position 884, 31 bases deleted.
Genome position (GRCh38, 1-based): chr1:3,403,037-3,403,067, 31 bases deleted; deleting any 31 consecutive bases within chr1:3,403,007-3,403,067 gives the same sequence; the c. name uses the placement nearest the transcript's 3' end. GRCh37 (hg19): chr1:3,319,601-3,319,631.
Other names: p.?; c.884+39_884+69del (NM_199454.3).
Identifiers: ClinVar variation 406244 (VCV000406244.8), dbSNP rs765185537, ClinGen allele CA543989.

ClinVar aggregate classification (germline): Benign. Review status: criteria provided, multiple submitters, no conflicts (2 of 4 stars). 3 submissions from 3 submitters: Benign (3). Last evaluated 2026-02-02.

Conditions:
Left ventricular noncompaction 8 (LVNC8). Identifiers: Orphanet 154, Orphanet 54260, MedGen C3809288, MONDO:0014152, OMIM 615373.

Submissions (3):

Labcorp Genetics (formerly Invitae), Labcorp
Classification: Benign for Left ventricular noncompaction 8. Last evaluated: 2026-02-02. Review status: criteria provided, single submitter. Criteria: Invitae Variant Classification Sherloc (09022015). Collection method: clinical testing. Allele origin: germline.

Mayo Clinic Laboratories, Mayo Clinic
Classification: Benign. Last evaluated: 2023-09-29. Review status: criteria provided, single submitter. Criteria: ACMG Guidelines, 2015. Collection method: clinical testing. Allele origin: germline. Observed: 22 variant alleles.

Laboratory for Molecular Medicine, Mass General Brigham Personalized Medicine
Classification: Benign. Last evaluated: 2015-06-05. Review status: criteria provided, single submitter. Criteria: LMM Criteria. Collection method: clinical testing. Allele origin: germline. Observed: 6 variant alleles.
Comment: c.884+39_884+69del in intron 6 of PRDM16: This variant is not expected to have c linical significance because it has been identified at a frequency of 22.4% (192 18/85718 chromosomes) across all populations by the Exome Aggregation Consortium (ExAC; dbSNP rs148238606).